The following is an entry in ClinVar:

ClinVar aggregate classification (germline): Likely benign (1 of 4 stars; one submission).

Allele frequency attached by ClinVar (database versions not stated): ExAC 0.00001; gnomAD exomes 0.00001; gnomAD 0.00004.
gnomAD v4.1: 18 of 1,613,862 alleles (0.0011%); highest among the groups gnomAD compares: Middle Eastern, 0.033%; no homozygotes.

Submission:

CeGaT Center for Human Genetics Tuebingen
Classification: Likely benign. Last evaluated: 2022-07-01. Review status: criteria provided, single submitter. Criteria: CeGaT Center For Human Genetics Tuebingen Variant Classification Criteria Version 2. Collection method: clinical testing. Allele origin: germline. Affected: yes. Observed: 1 variant allele.
Comment: FLG2: BP4, BP7

NM_001014342.3(FLG2):c.6633A>G (p.Ser2211=)

Genes: CCDST (cervical cancer associated DHX9 suppressive transcript; plus strand), FLG2 (filaggrin 2; minus strand). Cytogenetic location: 1q21.3.
Variant type: single nucleotide variant.
Coding change: c.6633A>G on transcript NM_001014342.3 (MANE Select); coding-DNA position 6633, A replaced by G.
Protein change: p.Ser2211=; no amino-acid change (serine 2211 retained).
Molecular consequence: synonymous variant.
Genome position (GRCh38, 1-based): chr1:152,351,153, T>C on the plus strand (A>G on the coding strand, the complement: FLG2 is on the minus strand). VCF-style: chr1-152351153-T-C. GRCh37 (hg19) VCF-style: chr1-152323629-T-C.
Identifiers: ClinVar variation 2639330 (VCV002639330.24), dbSNP rs757511211, ClinGen allele CA1108235.